The following is an entry in ClinVar:

NM_000080.4(CHRNE):c.1323C>T (p.Gly441=)

Gene: CHRNE (cholinergic receptor nicotinic epsilon subunit; minus strand). Cytogenetic location: 17p13.2.
Variant type: single nucleotide variant.
Coding change: c.1323C>T on transcript NM_000080.4 (MANE Select); coding-DNA position 1323, C replaced by T.
Protein change: p.Gly441=; no amino-acid change (glycine 441 retained).
Molecular consequence: synonymous variant.
Genome position (GRCh38, 1-based): chr17:4,899,004, G>A on the plus strand (C>T on the coding strand, the complement: CHRNE is on the minus strand). VCF-style: chr17-4899004-G-A. GRCh37 (hg19) VCF-style: chr17-4802299-G-A.
Other names: c.1323C>T, p.Gly441= (LRG_1254t1).
Identifiers: ClinVar variation 465859 (VCV000465859.8), dbSNP rs758517310, ClinGen allele CA8313891.

ClinVar aggregate classification (germline): Uncertain significance. Review status: criteria provided, single submitter (1 of 4 stars). 2 submissions from 2 submitters: Uncertain significance (1). 1 of the submissions does not count toward it. Last evaluated 2021-08-24.

Conditions:
Congenital myasthenic syndrome (CMS). Also called: Congenital Myasthenic Syndromes. Identifiers: Orphanet 590, MedGen C0751882, MeSH D020294, MONDO:0018940.
Congenital myasthenic syndrome 4A. Also called: Myasthenic syndrome, congenital, 4a, slow-channel; CONGENITAL MYASTHENIC SYNDROME TYPE Ia1; MYASTHENIC SYNDROME, CONGENITAL, 4A, SLOW-CHANNEL, AUTOSOMAL RECESSIVE. Identifiers: Orphanet 590, MedGen C4225413, MONDO:0011600, OMIM 605809.

Allele frequency attached by ClinVar (database versions not stated): gnomAD 0.00001 and 0.00003; TOPMed 0.00001; ExAC 0.00011; 1000 Genomes Project 30x 0.00031.
gnomAD v4.1: 17 of 1,595,670 alleles (0.0011%); highest among the groups gnomAD compares: South Asian, 0.01%; no homozygotes.

Submissions (2):

Labcorp Genetics (formerly Invitae), Labcorp
Classification: Uncertain significance for Congenital myasthenic syndrome 4A. Last evaluated: 2021-08-24. Review status: criteria provided, single submitter. Criteria: Invitae Variant Classification Sherloc (09022015). Collection method: clinical testing. Allele origin: germline.
Comment: This sequence change affects codon 441 of the CHRNE mRNA. It is a 'silent' change, meaning that it does not change the encoded amino acid sequence of the CHRNE protein. This variant is present in population databases (rs758517310, ExAC 0.02%). This variant has not been reported in the literature in individuals affected with CHRNE-related conditions. Algorithms developed to predict the effect of sequence changes on RNA splicing suggest that this variant may create or strengthen a splice site. In summary, the available evidence is currently insufficient to determine the role of this variant in disease. Therefore, it has been classified as a Variant of Uncertain Significance.

Natera, Inc.
Classification: Uncertain significance for Congenital myasthenic syndrome. Last evaluated: 2019-10-28. Review status: no assertion criteria provided. Collection method: clinical testing. Allele origin: germline. Not counted in ClinVar's aggregate classification.